The following is an entry in ClinVar:

NM_004044.7(ATIC):c.502T>C (p.Leu168=)

Gene: ATIC (5-aminoimidazole-4-carboxamide ribonucleotide formyltransferase/IMP cyclohydrolase; plus strand). Cytogenetic location: 2q35.
Variant type: single nucleotide variant.
Coding change: c.502T>C on transcript NM_004044.7 (MANE Select); coding-DNA position 502, T replaced by C.
Protein change: p.Leu168=; no amino-acid change (leucine 168 retained).
Molecular consequence: synonymous variant.
Genome position (GRCh38, 1-based): chr2:215,326,109, T>C. VCF-style: chr2-215326109-T-C. GRCh37 (hg19) VCF-style: chr2-216190832-T-C.
Identifiers: ClinVar variation 782941 (VCV000782941.44), dbSNP rs143708155, ClinGen allele CA2092977.

ClinVar aggregate classification (germline): Likely benign. Review status: criteria provided, multiple submitters, no conflicts (2 of 4 stars). 3 submissions from 3 submitters: Likely benign (3). Last evaluated 2026-07-01.

Allele frequency attached by ClinVar (database versions not stated): 1000 Genomes Project 0.00060; 1000 Genomes Project 30x 0.00062; ESP Exome Variant Server 0.00108; TOPMed 0.00114; gnomAD exomes 0.00125 and 0.00153; gnomAD 0.00143 and 0.00145; ExAC 0.00161.
gnomAD v4.1: 2,050 of 1,614,134 alleles (0.13%); highest among the groups gnomAD compares: Non-Finnish European, 0.14%; 3 homozygotes.

Submissions (3):

CeGaT Center for Human Genetics Tuebingen
Classification: Likely benign. Last evaluated: 2026-07-01. Review status: criteria provided, single submitter. Criteria: CeGaT Center For Human Genetics Tuebingen Variant Classification Criteria Version 2. Collection method: clinical testing. Allele origin: germline. Affected: yes. Observed: 6 variant alleles.
Comment: ATIC: BP4, BP7

Labcorp Genetics (formerly Invitae), Labcorp
Classification: Likely benign. Last evaluated: 2026-01-12. Review status: criteria provided, single submitter. Criteria: Invitae Variant Classification Sherloc (09022015). Collection method: clinical testing. Allele origin: germline.

Blueprint Genetics
Classification: Likely benign. Last evaluated: 2024-11-21. Review status: criteria provided, single submitter. Criteria: ACMG Guidelines, 2015. Collection method: clinical testing. Allele origin: germline.